The following is an entry in ClinVar:

NM_001846.4(COL4A2):c.2799G>A (p.Met933Ile)

Gene: COL4A2 (collagen type IV alpha 2 chain; plus strand). Cytogenetic location: 13q34.
Variant type: single nucleotide variant.
Coding change: c.2799G>A on transcript NM_001846.4 (MANE Select); coding-DNA position 2799, G replaced by A.
Protein change: p.Met933Ile; replaces methionine 933 with isoleucine.
Molecular consequence: missense variant.
Genome position (GRCh38, 1-based): chr13:110,482,556, G>A. VCF-style: chr13-110482556-G-A. GRCh37 (hg19) VCF-style: chr13-111134903-G-A.
Other names: short protein forms M933I.
Identifiers: ClinVar variation 1515591 (VCV001515591.8), dbSNP rs1336692495, ClinGen allele CA388727307.
Genomic context (GRCh38, chr13:110,482,556, plus strand): 5'-TTTTCTCTTTTCCTCTGAAGGAGATAGAGGCTCACCTGGGATGGATGGTTTCCAAGGCAT[G>A]CCTGGACTCAAAGGGAGACCCGGGTTTCCAGGGAGCAAAGGCGAGGCTGGATTTTTCGGA-3'
Protein context (NP_001837.2, residues 923-943): GSPGMDGFQG[Met933Ile]PGLKGRPGFP

ClinVar aggregate classification (germline): Uncertain significance (1 of 4 stars; one submission).

Allele frequency attached by ClinVar (database versions not stated): gnomAD exomes below 0.00001.
gnomAD v4.1: 3 of 1,614,214 alleles (0.00019%); highest among the groups gnomAD compares: Non-Finnish European, 0.00017%; no homozygotes.

Submission:

Labcorp Genetics (formerly Invitae), Labcorp
Classification: Uncertain significance. Last evaluated: 2024-10-30. Review status: criteria provided, single submitter. Criteria: Invitae Variant Classification Sherloc (09022015). Collection method: clinical testing. Allele origin: germline.
Comment: This sequence change replaces methionine, which is neutral and non-polar, with isoleucine, which is neutral and non-polar, at codon 933 of the COL4A2 protein (p.Met933Ile). This variant is present in population databases (no rsID available, gnomAD 0.0009%). This variant has not been reported in the literature in individuals affected with COL4A2-related conditions. ClinVar contains an entry for this variant (Variation ID: 1515591). Invitae Evidence Modeling of protein sequence and biophysical properties (such as structural, functional, and spatial information, amino acid conservation, physicochemical variation, residue mobility, and thermodynamic stability) indicates that this missense variant is not expected to disrupt COL4A2 protein function with a negative predictive value of 95%. In summary, the available evidence is currently insufficient to determine the role of this variant in disease. Therefore, it has been classified as a Variant of Uncertain Significance.